The following is an entry in ClinVar:

ClinVar aggregate classification (germline): Uncertain significance. Review status: criteria provided, multiple submitters, no conflicts (2 of 4 stars). 4 submissions from 4 submitters: Uncertain significance (4). Last evaluated 2025-08-12.

Conditions:
Hereditary pheochromocytoma and paraganglioma. Also called: Hereditary pheochromocytoma-paraganglioma; Hereditary paragangliomas and pheochromocytomas; Hereditary Paraganglioma-Pheochromocytoma Syndromes. Identifiers: Orphanet 29072, MedGen C4274332, MONDO:0017366.
Hereditary cancer-predisposing syndrome. Also called: Hereditary Cancer Syndrome; Tumor predisposition; Neoplastic Syndromes, Hereditary; Hereditary neoplastic syndrome. Identifiers: Orphanet 140162, MedGen C0027672, MeSH D009386, MONDO:0015356.

Allele frequency attached by ClinVar (database versions not stated): gnomAD exomes below 0.00001 and 0.00001; gnomAD 0.00001.
gnomAD v4.1: 6 of 1,614,078 alleles (0.00037%); highest among the groups gnomAD compares: Non-Finnish European, 0.00051%; no homozygotes.

Submissions (4):

Ambry Genetics
Classification: Uncertain significance for Hereditary cancer-predisposing syndrome. Last evaluated: 2025-08-12. Review status: criteria provided, single submitter. Criteria: Ambry Variant Classification Scheme 2023. Collection method: clinical testing. Allele origin: germline.
Comment: The p.T59A variant (also known as c.175A>G), located in coding exon 2 of the SDHAF2 gene, results from an A to G substitution at nucleotide position 175. The threonine at codon 59 is replaced by alanine, an amino acid with similar properties. This amino acid position is not well conserved in available vertebrate species. In addition, this alteration is predicted to be tolerated by in silico analysis. Since supporting evidence is limited at this time, the clinical significance of this alteration remains unclear.

Quest Diagnostics Nichols Institute San Juan Capistrano
Classification: Uncertain significance. Last evaluated: 2025-07-10. Review status: criteria provided, single submitter. Criteria: Quest Diagnostics criteria. Collection method: clinical testing. Allele origin: unknown.
Comment: The SDHAF2 c.175A>G (p.Thr59Ala) variant has not been reported in individuals with SDHAF2-related conditions in the published literature. The frequency of this variant in the general population (Genome Aggregation Database) is uninformative in the assessment of its pathogenicity. Analysis of this variant using bioinformatics tools for the prediction of the effect of amino acid changes on protein structure and function yielded predictions that this variant is benign. Based on the available information, we are unable to determine the clinical significance of this variant.

Labcorp Genetics (formerly Invitae), Labcorp
Classification: Uncertain significance for Hereditary pheochromocytoma and paraganglioma. Last evaluated: 2024-11-07. Review status: criteria provided, single submitter. Criteria: Invitae Variant Classification Sherloc (09022015). Collection method: clinical testing. Allele origin: germline.
Comment: This sequence change replaces threonine, which is neutral and polar, with alanine, which is neutral and non-polar, at codon 59 of the SDHAF2 protein (p.Thr59Ala). This variant is present in population databases (no rsID available, gnomAD 0.0009%). This variant has not been reported in the literature in individuals affected with SDHAF2-related conditions. ClinVar contains an entry for this variant (Variation ID: 819996). An algorithm developed to predict the effect of missense changes on protein structure and function (PolyPhen-2) suggests that this variant is likely to be tolerated. In summary, the available evidence is currently insufficient to determine the role of this variant in disease. Therefore, it has been classified as a Variant of Uncertain Significance.

All of Us Research Program, National Institutes of Health
Classification: Uncertain significance for Hereditary pheochromocytoma and paraganglioma. Last evaluated: 2023-12-13. Review status: criteria provided, single submitter. Criteria: ACMG Guidelines, 2015. Collection method: clinical testing. Allele origin: germline. Inheritance: Autosomal dominant inheritance. Observed: 2 variant alleles, 2 heterozygotes.
Comment: This missense variant replaces threonine with alanine at codon 59 of the SDHAF2 protein. Computational prediction suggests that this variant may not impact protein structure and function (internally defined REVEL score threshold <= 0.5, PMID: 27666373). To our knowledge, functional studies have not been reported for this variant. This variant has not been reported in individuals affected with SDHAF2-related disorders in the literature. This variant has been identified in 1/251178 chromosomes in the general population by the Genome Aggregation Database (gnomAD). The available evidence is insufficient to determine the role of this variant in disease conclusively. Therefore, this variant is classified as a Variant of Uncertain Significance.

This study involves interpretation of variants in research participants for the purpose of population health screening. Participant phenotype was not available at the time of variant classification. Additional details can be found in publication PMID: 35346344, PMCID: PMC8962531

NM_017841.4(SDHAF2):c.175A>G (p.Thr59Ala)

Gene: SDHAF2 (succinate dehydrogenase complex assembly factor 2; plus strand). Cytogenetic location: 11q12.2.
Variant type: single nucleotide variant.
Coding change: c.175A>G on transcript NM_017841.4 (MANE Select); coding-DNA position 175, A replaced by G.
Protein change: p.Thr59Ala; replaces threonine 59 with alanine.
Molecular consequence: missense variant.
Genome position (GRCh38, 1-based): chr11:61,437,763, A>G. VCF-style: chr11-61437763-A-G. GRCh37 (hg19) VCF-style: chr11-61205235-A-G.
Other names: short protein forms T59A.
Identifiers: ClinVar variation 819996 (VCV000819996.14), dbSNP rs1193598313, ClinGen allele CA380683474.